The following is an entry in ClinVar:

ClinVar aggregate classification (germline): Likely benign (1 of 4 stars; one submission).

Allele frequency attached by ClinVar (database versions not stated): gnomAD exomes below 0.00001.
gnomAD v4.1: 1 of 1,613,748 alleles (0.000062%); highest among the groups gnomAD compares: Non-Finnish European, 0.000085%; no homozygotes.

Submission:

GeneDx
Classification: Likely benign. Last evaluated: 2016-05-31. Review status: criteria provided, single submitter. Criteria: GeneDx Variant Classification (06012015). Collection method: clinical testing. Allele origin: germline. Affected: yes.
Comment: This variant is considered likely benign or benign based on one or more of the following criteria: it is a conservative change, it occurs at a poorly conserved position in the protein, it is predicted to be benign by multiple in silico algorithms, and/or has population frequency not consistent with disease.

NM_005431.2(XRCC2):c.357C>T (p.Tyr119=)

Gene: XRCC2 (X-ray repair cross complementing 2; minus strand). Cytogenetic location: 7q36.1.
Variant type: single nucleotide variant.
Coding change: c.357C>T on transcript NM_005431.2 (MANE Select); coding-DNA position 357, C replaced by T.
Protein change: p.Tyr119=; no amino-acid change (tyrosine 119 retained).
Molecular consequence: synonymous variant.
Genome position (GRCh38, 1-based): chr7:152,649,128, G>A on the plus strand (C>T on the coding strand, the complement: XRCC2 is on the minus strand). VCF-style: chr7-152649128-G-A. GRCh37 (hg19) VCF-style: chr7-152346213-G-A.
Identifiers: ClinVar variation 386648 (VCV000386648.1), dbSNP rs1057522562, ClinGen allele CA16605194.